The following is an entry in ClinVar:

ClinVar aggregate classification (germline): Likely benign (1 of 4 stars; one submission).

Submission:

Mayo Clinic Laboratories, Mayo Clinic
Classification: Likely benign. Last evaluated: 2025-05-05. Review status: criteria provided, single submitter. Criteria: ACMG Guidelines, 2015. Collection method: clinical testing. Allele origin: germline. Observed: 1 variant allele.
Comment: BP4, BP7

NM_002887.4(RARS1):c.1002G>A (p.Gly334=)

Gene: RARS1 (arginyl-tRNA synthetase 1; plus strand). Cytogenetic location: 5q34.
Variant type: single nucleotide variant.
Coding change: c.1002G>A on transcript NM_002887.4 (MANE Select); coding-DNA position 1002, G replaced by A.
Protein change: p.Gly334=; no amino-acid change (glycine 334 retained).
Molecular consequence: synonymous variant.
Genome position (GRCh38, 1-based): chr5:168,502,050, G>A. VCF-style: chr5-168502050-G-A. GRCh37 (hg19) VCF-style: chr5-167929055-G-A.
Other names: p.Gly334=.
Identifiers: ClinVar variation 4684880 (VCV004684880.1).